The following is an entry in ClinVar:

ClinVar aggregate classification (germline): Uncertain significance (1 of 4 stars; one submission).

gnomAD v4.1: 5 of 1,614,010 alleles (0.00031%); highest among the groups gnomAD compares: Non-Finnish European, 0.00042%; no homozygotes.

Submission:

Ambry Genetics
Classification: Uncertain significance. Last evaluated: 2025-02-06. Review status: criteria provided, single submitter. Criteria: Ambry Variant Classification Scheme 2023. Collection method: clinical testing. Allele origin: germline.
Comment: The p.P586A variant (also known as c.1756C>G), located in coding exon 2 of the CDK12 gene, results from a C to G substitution at nucleotide position 1756. The proline at codon 586 is replaced by alanine, an amino acid with highly similar properties. This amino acid position is conserved. In addition, this alteration is predicted to be tolerated by in silico analysis. Based on the available evidence, the clinical significance of this variant remains unclear.

NM_016507.4(CDK12):c.1756C>G (p.Pro586Ala)

Gene: CDK12 (cyclin dependent kinase 12; plus strand). Cytogenetic location: 17q12.
Variant type: single nucleotide variant.
Coding change: c.1756C>G on transcript NM_016507.4 (MANE Select); coding-DNA position 1756, C replaced by G.
Protein change: p.Pro586Ala; replaces proline 586 with alanine.
Molecular consequence: missense variant.
Genome position (GRCh38, 1-based): chr17:39,471,588, C>G. VCF-style: chr17-39471588-C-G. GRCh37 (hg19) VCF-style: chr17-37627841-C-G.
Other names: c.1756C>G, p.Pro586Ala (NM_015083.4); short protein forms P586A.
Identifiers: ClinVar variation 3830617 (VCV003830617.1).